The following is an entry in ClinVar:

NM_001370298.3(FGD4):c.2529A>G (p.Pro843=)

Gene: FGD4 (FYVE, RhoGEF and PH domain containing 4; plus strand). Cytogenetic location: 12p11.21.
Variant type: single nucleotide variant.
Coding change: c.2529A>G on transcript NM_001370298.3 (MANE Select); coding-DNA position 2529, A replaced by G.
Protein change: p.Pro843=; no amino-acid change (proline 843 retained).
Molecular consequence: synonymous variant.
Genome position (GRCh38, 1-based): chr12:32,640,350, A>G. VCF-style: chr12-32640350-A-G. GRCh37 (hg19) VCF-style: chr12-32793284-A-G.
Other names: c.2373A>G, p.Pro791= (NM_001304481.2); c.1086A>G, p.Pro362= (NM_001304484.2); c.1839A>G, p.Pro613= (NM_001330373.2, NM_001330374.2, NM_001384130.1); c.1566A>G, p.Pro522= (NM_001370297.1); c.2529A>G, p.Pro843= (NM_001384126.1); c.2118A>G, p.Pro706= (NM_001384127.1, NM_001384128.1, NM_001385118.1 and 1 more transcripts).
Identifiers: ClinVar variation 3666300 (VCV003666300.3).

ClinVar aggregate classification (germline): Likely benign. Review status: criteria provided, multiple submitters, no conflicts (2 of 4 stars). 2 submissions from 2 submitters: Likely benign (2). Last evaluated 2025-03-05.

Conditions:
FGD4-related disorder. Also called: FGD4-related condition.
Charcot-Marie-Tooth disease type 4. Also called: Charcot-Marie-Tooth disease, type IV; Charcot-Marie-Tooth, Type 4. Identifiers: Orphanet 64749, MedGen C4082197, MONDO:0018995.

gnomAD v4.1: 2 of 1,614,082 alleles (0.00012%); highest among the groups gnomAD compares: Non-Finnish European, 0.00017%; no homozygotes.

Submissions (2):

PreventionGenetics, part of Exact Sciences
Classification: Likely benign for FGD4-related condition. Last evaluated: 2025-03-05. Review status: criteria provided, single submitter. Criteria: ACMG Guidelines, 2015. Collection method: clinical testing. Allele origin: germline.
Comment: This variant is classified as likely benign based on ACMG/AMP sequence variant interpretation guidelines (Richards et al. 2015 PMID: 25741868, with internal and published modifications).

Labcorp Genetics (formerly Invitae), Labcorp
Classification: Likely benign for Charcot-Marie-Tooth disease type 4. Last evaluated: 2024-07-24. Review status: criteria provided, single submitter. Criteria: Invitae Variant Classification Sherloc (09022015). Collection method: clinical testing. Allele origin: germline.